The following is an entry in ClinVar:

ClinVar aggregate classification (germline): Uncertain significance (1 of 4 stars; one submission).

Conditions:
Proline dehydrogenase deficiency (HYRPRO1). Also called: Hyperprolinemia type 1; PROLINE OXIDASE DEFICIENCY. Identifiers: Orphanet 419, MedGen C0268529, MONDO:0009400, OMIM 239500.

Allele frequency attached by ClinVar (database versions not stated): gnomAD exomes 0.00001; ExAC 0.00003; ESP Exome Variant Server 0.00008.
gnomAD v4.1: 1 of 184,064 alleles (0.00054%); highest among the groups gnomAD compares: Non-Finnish European, 0.0011%; no homozygotes.

Submission:

Labcorp Genetics (formerly Invitae), Labcorp
Classification: Uncertain significance for Proline dehydrogenase deficiency. Last evaluated: 2023-09-13. Review status: criteria provided, single submitter. Criteria: Invitae Variant Classification Sherloc (09022015). Collection method: clinical testing. Allele origin: germline.
Comment: Advanced modeling of protein sequence and biophysical properties (such as structural, functional, and spatial information, amino acid conservation, physicochemical variation, residue mobility, and thermodynamic stability) performed at Invitae indicates that this missense variant is expected to disrupt PRODH protein function. In summary, the available evidence is currently insufficient to determine the role of this variant in disease. Therefore, it has been classified as a Variant of Uncertain Significance. ClinVar contains an entry for this variant (Variation ID: 1521243). This variant has not been reported in the literature in individuals affected with PRODH-related conditions. This variant is present in population databases (rs376682221, gnomAD 0.003%). This sequence change replaces arginine, which is basic and polar, with cysteine, which is neutral and slightly polar, at codon 432 of the PRODH protein (p.Arg432Cys).

NM_016335.6(PRODH):c.1294C>T (p.Arg432Cys)

Gene: PRODH (proline dehydrogenase 1; minus strand). Cytogenetic location: 22q11.21.
Variant type: single nucleotide variant.
Coding change: c.1294C>T on transcript NM_016335.6 (MANE Select); coding-DNA position 1294, C replaced by T.
Protein change: p.Arg432Cys; replaces arginine 432 with cysteine.
Molecular consequence: missense variant.
Genome position (GRCh38, 1-based): chr22:18,918,449, G>A on the plus strand (C>T on the coding strand, the complement: PRODH is on the minus strand). VCF-style: chr22-18918449-G-A. GRCh37 (hg19) VCF-style: chr22-18905962-G-A.
Other names: c.970C>T, p.Arg324Cys (NM_001195226.2); short protein forms R324C, R432C.
Identifiers: ClinVar variation 1521243 (VCV001521243.8), dbSNP rs376682221, ClinGen allele CA10094988.